The following is an entry in ClinVar:

NM_014874.4(MFN2):c.695C>G (p.Thr232Ser)

Gene: MFN2 (mitofusin 2; plus strand). Cytogenetic location: 1p36.22.
Variant type: single nucleotide variant.
Coding change: c.695C>G on transcript NM_014874.4 (MANE Select); coding-DNA position 695, C replaced by G.
Protein change: p.Thr232Ser; replaces threonine 232 with serine.
Molecular consequence: missense variant.
Genome position (GRCh38, 1-based): chr1:11,998,865, C>G. VCF-style: chr1-11998865-C-G. GRCh37 (hg19) VCF-style: chr1-12058922-C-G.
Other names: c.695C>G, p.Thr232Ser (NM_001127660.2); short protein forms T232S.
Identifiers: ClinVar variation 1325800 (VCV001325800.1), dbSNP rs1569842764, ClinGen allele CA338438536.

ClinVar aggregate classification (germline): Likely pathogenic (1 of 4 stars; one submission).

Conditions:
Charcot-Marie-Tooth disease type 2A2. Also called: CHARCOT-MARIE-TOOTH DISEASE, AXONAL, TYPE 2A2; HEREDITARY MOTOR AND SENSORY NEUROPATHY IIA2; HMSN IIA2; Charcot-Marie-Tooth Neuropathy Type 2A2; CHARCOT-MARIE-TOOTH DISEASE, NEURONAL, TYPE 2A2; CHARCOT-MARIE-TOOTH DISEASE, AXONAL, AUTOSOMAL DOMINANT, TYPE 2A2A. Identifiers: Orphanet 99947, MedGen C4721887, MONDO:0012231, OMIM 609260.

Submission:

Institute of Human Genetics, University of Leipzig Medical Center
Classification: Likely pathogenic for Charcot-Marie-Tooth disease type 2A2. Last evaluated: 2021-10-26. Review status: criteria provided, single submitter. Criteria: ACMG Guidelines, 2015. Collection method: clinical testing. Allele origin: unknown. Affected: yes.
Comment: _x000D_ Criteria applied: PM5_STR, PM2_SUP, PP2, PP3